The following is an entry in ClinVar:

NM_020207.7(ERCC6L2):c.1534-10T>G

Gene: ERCC6L2 (ERCC excision repair 6 like 2; plus strand). Cytogenetic location: 9q22.32.
Variant type: single nucleotide variant.
Coding change: c.1534-10T>G on transcript NM_020207.7 (MANE Select); 10 bases into the intron before coding-DNA position 1534, T replaced by G.
Molecular consequence: intron variant.
Genome position (GRCh38, 1-based): chr9:95,928,069, T>G. VCF-style: chr9-95928069-T-G. GRCh37 (hg19) VCF-style: chr9-98690351-T-G.
Other names: c.1534-10T>G (NM_001375291.1, NM_001375292.1, NM_001375294.1 and 2 more transcripts).
Identifiers: ClinVar variation 2897383 (VCV002897383.1), dbSNP rs1282503640, ClinGen allele CA589276024.
Genomic context (GRCh38, chr9:95,928,069, plus strand): 5'-TGATGTTTATATGTATAAAGTGTACTTTTAGTTGGAACTGGTTCACTGATTTTCTGTGGT[T>G]CATTTTCAGGTCCTTCAGCAGCTTTTAAATCATTGCAGGAAAAACAGAGATAAAGTTCTT-3'

ClinVar aggregate classification (germline): Uncertain significance (1 of 4 stars; one submission).

Allele frequency attached by ClinVar (database versions not stated): gnomAD exomes below 0.00001; gnomAD 0.00001; TOPMed 0.00001.
gnomAD v4.1: 7 of 1,607,762 alleles (0.00044%); highest among the groups gnomAD compares: African/African-American, 0.0013%; no homozygotes.

Submission:

Labcorp Genetics (formerly Invitae), Labcorp
Classification: Uncertain significance. Last evaluated: 2023-05-22. Review status: criteria provided, single submitter. Criteria: Invitae Variant Classification Sherloc (09022015). Collection method: clinical testing. Allele origin: germline.
Comment: This sequence change falls in intron 9 of the ERCC6L2 gene. It does not directly change the encoded amino acid sequence of the ERCC6L2 protein. This variant is present in population databases (no rsID available, gnomAD 0.01%). This variant has not been reported in the literature in individuals affected with ERCC6L2-related conditions. Algorithms developed to predict the effect of sequence changes on RNA splicing suggest that this variant may create or strengthen a splice site. In summary, the available evidence is currently insufficient to determine the role of this variant in disease. Therefore, it has been classified as a Variant of Uncertain Significance.